The following is an entry in ClinVar:

ClinVar aggregate classification (germline): Pathogenic. Review status: criteria provided, multiple submitters, no conflicts (2 of 4 stars). 7 submissions from 7 submitters: Pathogenic (6). 1 of the submissions does not count toward it. Last evaluated 2025-04-14.

Conditions:
Deficiency of acetyl-CoA acetyltransferase. Also called: MITOCHONDRIAL ACETOACETYL-CoA THIOLASE DEFICIENCY; Beta-ketothiolase deficiency; 3-KETOTHIOLASE DEFICIENCY; 3-OXOTHIOLASE DEFICIENCY. Identifiers: Orphanet 134, MedGen C1536500, MONDO:0008760, OMIM 203750. Disease mechanism: loss of function.

Allele frequency attached by ClinVar (database versions not stated): gnomAD exomes below 0.00001.
gnomAD v4.1: 1 of 1,608,134 alleles (0.000062%); no homozygotes.

Submissions (7):

Natera, Inc.
Classification: Pathogenic for Alpha-methylacetoacetic aciduria. Last evaluated: 2025-04-14. Review status: criteria provided, single submitter. Criteria: Natera Variant Classification Schema (03/2026). Collection method: clinical testing. Allele origin: germline.
Comment: The c.1006-1G>C variant in ACAT1 is a canonical splice acceptor site variant predicted to affect pre-mRNA splicing, which may result in an abnormal transcript and altered protein product. This variant is expected to result in nonsense mediated decay, truncation, or a dysfunctional protein product. This variant is rare in the general population with a frequency below the threshold expected for the associated phenotype(s). This variant has been observed in one or more individuals affected with the associated recessive disease, as either homozygous or compound heterozygous with a second variant (PMID: 28220263). Given the available evidence, this variant is classified as Pathogenic.

Labcorp Genetics (formerly Invitae), Labcorp
Classification: Pathogenic for Deficiency of acetyl-CoA acetyltransferase. Last evaluated: 2023-10-14. Review status: criteria provided, single submitter. Criteria: Invitae Variant Classification Sherloc (09022015). Collection method: clinical testing. Allele origin: germline.
Comment: This sequence change affects an acceptor splice site in intron 10 of the ACAT1 gene. It is expected to disrupt RNA splicing. Variants that disrupt the donor or acceptor splice site typically lead to a loss of protein function (PMID: 16199547), and loss-of-function variants in ACAT1 are known to be pathogenic (PMID: 7749408). This variant is present in population databases (no rsID available, gnomAD 0.006%). Disruption of this splice site has been observed in individuals with beta-ketothiolase deficiency (PMID: 1627655, 28220263, 28875337). ClinVar contains an entry for this variant (Variation ID: 429749). Algorithms developed to predict the effect of sequence changes on RNA splicing suggest that this variant may disrupt the consensus splice site. For these reasons, this variant has been classified as Pathogenic.

Baylor Genetics
Classification: Pathogenic for Deficiency of acetyl-CoA acetyltransferase. Last evaluated: 2023-09-09. Review status: criteria provided, single submitter. Criteria: ACMG Guidelines, 2015. Collection method: clinical testing. Allele origin: unknown.

Department of Pediatrics, Gifu University
Classification: Pathogenic for Deficiency of acetyl-CoA acetyltransferase. Last evaluated: 2019-05-05. Review status: criteria provided, single submitter. Criteria: ACMG Guidelines, 2015. Collection method: research. Allele origin: germline. Affected: yes. Observed: 13 variant alleles. Clinical features observed: Ketoacidosis.

GeneDx
Classification: Pathogenic. Last evaluated: 2015-09-30. Review status: criteria provided, single submitter. Criteria: GeneDx Variant Classification (06012015). Collection method: clinical testing. Allele origin: germline. Affected: yes.
Comment: This splice site variant destroys the canonical splice acceptor site in intron 10. It is predicted to cause abnormal gene splicing, either leading to an abnormal message that is subject to nonsense-mediated mRNA decay, or to an abnormal protein product if the message is used for protein translation. The c.1006-1G>C variant was not observed in approximately 6500 individuals of European and African American ancestry in the NHLBI Exome Sequencing Project, indicating it is not a common benign variant in these populations. We interpret c.1006-1G>C as a pathogenic variant.

Juno Genomics, Hangzhou Juno Genomics, Inc
Classification: Pathogenic for Deficiency of acetyl-CoA acetyltransferase. Review status: criteria provided, single submitter. Criteria: ACMG Guidelines, 2015. Collection method: clinical testing. Allele origin: germline. Affected: yes.
Comment: Absent from controls (or at extremely low frequency if recessive) in Genome Aggregation Database, Exome Sequencing Project, 1000 Genomes Project, or Exome Aggregation Consortium.;Null variant in a gene where loss of function (LOF) is a known mechanism of disease.;For recessive disorders, detected in trans with a pathogenic variant.

OMIM
Classification: Pathogenic for 3-KETOTHIOLASE DEFICIENCY. Last evaluated: 1992-07-07. Review status: no assertion criteria provided. Collection method: literature only. Allele origin: germline. Not counted in ClinVar's aggregate classification.

Literature cited by the submitters: PubMed 28220263 (cited by Natera, Inc. and Labcorp Genetics (formerly Invitae), Labcorp); PubMed 16199547 (cited by Labcorp Genetics (formerly Invitae), Labcorp); PubMed 7749408 (cited by Labcorp Genetics (formerly Invitae), Labcorp); PubMed 1627655 (cited by Labcorp Genetics (formerly Invitae), Labcorp and OMIM); PubMed 28875337 (cited by Labcorp Genetics (formerly Invitae), Labcorp); PubMed 31268215 (cited by Department of Pediatrics, Gifu University).

NM_000019.4(ACAT1):c.1006-1G>C

Gene: ACAT1 (acetyl-CoA acetyltransferase 1; plus strand). Cytogenetic location: 11q22.3.
Variant type: single nucleotide variant.
Coding change: c.1006-1G>C on transcript NM_000019.4 (MANE Select); the canonical splice acceptor site of the intron before coding-DNA position 1006, G replaced by C.
Molecular consequence: splice acceptor variant.
Genome position (GRCh38, 1-based): chr11:108,146,201, G>C. VCF-style: chr11-108146201-G-C. GRCh37 (hg19) VCF-style: chr11-108016928-G-C.
Other names: IVS10, G-C, -1; c.736-1G>C (NM_001386682.1, NM_001386681.1, NM_001386685.1 and 6 more transcripts); c.1006-1G>C (NM_001386677.1); c.709-1G>C (NM_001386679.1); c.691-1G>C (NM_001386678.1).
Identifiers: ClinVar variation 429749 (VCV000429749.19), dbSNP rs1131691567, ClinGen allele CA382508322.